The following is an entry in ClinVar:

NM_001267550.2(TTN):c.72521C>T (p.Ala24174Val)

Genes: TTN-AS1 (TTN antisense RNA 1; plus strand), TTN (titin; minus strand). Cytogenetic location: 2q31.2.
Variant type: single nucleotide variant.
Coding change: c.72521C>T on transcript NM_001267550.2 (MANE Select); coding-DNA position 72521, C replaced by T.
Protein change: p.Ala24174Val; replaces alanine 24174 with valine.
Molecular consequence: missense variant.
Genome position (GRCh38, 1-based): chr2:178,573,611, G>A on the plus strand (C>T on the coding strand, the complement: TTN is on the minus strand). VCF-style: chr2-178573611-G-A. GRCh37 (hg19) VCF-style: chr2-179438338-G-A.
Other names: c.67598C>T, p.Ala22533Val (NM_001256850.1); c.45326C>T, p.Ala15109Val (NM_003319.4); c.64817C>T, p.Ala21606Val (NM_133378.4); c.45701C>T, p.Ala15234Val (NM_133432.3); c.45902C>T, p.Ala15301Val (NM_133437.4); short protein forms A15109V, A15234V, A15301V, A21606V, A22533V, A24174V.
Identifiers: ClinVar variation 1321651 (VCV001321651.3), dbSNP rs1709019921, ClinGen allele CA349646776.

ClinVar aggregate classification (germline): Uncertain significance. Review status: criteria provided, multiple submitters, no conflicts (2 of 4 stars). 2 submissions from 2 submitters: Uncertain significance (2). Last evaluated 2022-04-20.

Conditions:
Hypertrophic cardiomyopathy 9. Also called: Familial hypertrophic cardiomyopathy 9. Identifiers: MedGen C1861065, MONDO:0013412, OMIM 613765.
Dilated cardiomyopathy 1G (CMD1G). Identifiers: Orphanet 154, MedGen C1858763, MONDO:0011400, OMIM 604145.
Tibial muscular dystrophy (TMD). Also called: UDD MYOPATHY; Tibial muscular dystrophy, tardive; Udd Distal Myopathy – Tibial Muscular Dystrophy. Identifiers: Orphanet 609, MedGen C1838244, MONDO:0010870, OMIM 600334.
Autosomal recessive limb-girdle muscular dystrophy type 2J (LGMDR10). Also called: Limb-girdle muscular dystrophy, type 2J; MUSCULAR DYSTROPHY, LIMB-GIRDLE, AUTOSOMAL RECESSIVE 10. Identifiers: Orphanet 140922, MedGen C1837342, MONDO:0012127, OMIM 608807.
Early-onset myopathy with fatal cardiomyopathy (CMYO5). Also called: Salih Myopathy; CONGENITAL MYOPATHY 5 WITH CARDIOMYOPATHY. Identifiers: Orphanet 289377, MedGen C2673677, MONDO:0012714, OMIM 611705. Disease mechanism: loss of function.
Myopathy, myofibrillar, 9, with early respiratory failure (MFM9). Also called: MYOPATHY, PROXIMAL, WITH EARLY RESPIRATORY MUSCLE INVOLVEMENT; Hereditary myopathy with early respiratory failure; Myopathy, distal, with early respiratory failure, autosomal dominant; EDSTROM MYOPATHY. Identifiers: Orphanet 178464, Orphanet 34521, MedGen C1863599, MONDO:0011362, OMIM 603689.

Allele frequency attached by ClinVar (database versions not stated): TOPMed 0.00001.

Submissions (2):

Fulgent Genetics
Classification: Uncertain significance for Tibial muscular dystrophy; Myopathy, myofibrillar, 9, with early respiratory failure; Dilated cardiomyopathy 1G; Autosomal recessive limb-girdle muscular dystrophy type 2J; Early-onset myopathy with fatal cardiomyopathy; Hypertrophic cardiomyopathy 9. Last evaluated: 2022-04-20. Review status: criteria provided, single submitter. Criteria: ACMG Guidelines, 2015. Collection method: clinical testing. Allele origin: unknown.

GeneDx
Classification: Uncertain significance. Last evaluated: 2021-11-09. Review status: criteria provided, single submitter. Criteria: GeneDx Variant Classification Process June 2021. Collection method: clinical testing. Allele origin: germline. Affected: yes.
Comment: Not observed at significant frequency in large population cohorts (Lek et al., 2016); Missense variant in a gene in which most reported pathogenic variants are truncating/loss-of-function; Has not been previously published as pathogenic or benign to our knowledge; This variant is associated with the following publications: (PMID: 23975875)